The following is an entry in ClinVar:

NM_152328.5(ADSS1):c.986G>A (p.Trp329Ter)

Gene: ADSS1 (adenylosuccinate synthase 1; plus strand). Cytogenetic location: 14q32.33.
Variant type: single nucleotide variant.
Coding change: c.986G>A on transcript NM_152328.5 (MANE Select); coding-DNA position 986, G replaced by A.
Protein change: p.Trp329Ter; replaces tryptophan 329 with a stop codon.
Molecular consequence: nonsense.
Genome position (GRCh38, 1-based): chr14:104,743,104, G>A. VCF-style: chr14-104743104-G-A. GRCh37 (hg19) VCF-style: chr14-105209441-G-A.
Other names: c.371G>A, p.Trp124Ter (NM_001320424.1); c.1115G>A, p.Trp372Ter (NM_199165.2); short protein forms W329*, W372*, W124*.
Identifiers: ClinVar variation 3718413 (VCV003718413.2).

ClinVar aggregate classification (germline): Pathogenic (1 of 4 stars; one submission).

gnomAD v4.1: 6 of 1,613,014 alleles (0.00037%); highest among the groups gnomAD compares: Non-Finnish European, 0.00051%; no homozygotes.

Submission:

Labcorp Genetics (formerly Invitae), Labcorp
Classification: Pathogenic. Last evaluated: 2024-03-02. Review status: criteria provided, single submitter. Criteria: Invitae Variant Classification Sherloc (09022015). Collection method: clinical testing. Allele origin: germline.
Comment: This sequence change creates a premature translational stop signal (p.Trp372*) in the ADSSL1 gene. It is expected to result in an absent or disrupted protein product. Loss-of-function variants in ADSSL1 are known to be pathogenic (PMID: 26506222). This variant is present in population databases (no rsID available, gnomAD 0.007%). This variant has not been reported in the literature in individuals affected with ADSSL1-related conditions. For these reasons, this variant has been classified as Pathogenic.

Literature cited by the submitters: PubMed 26506222.